The following is an entry in ClinVar:

NM_016247.4(IMPG2):c.814G>T (p.Glu272Ter)

Gene: IMPG2 (interphotoreceptor matrix proteoglycan 2; minus strand). Cytogenetic location: 3q12.3.
Variant type: single nucleotide variant.
Coding change: c.814G>T on transcript NM_016247.4 (MANE Select); coding-DNA position 814, G replaced by T.
Protein change: p.Glu272Ter; replaces glutamic acid 272 with a stop codon.
Molecular consequence: nonsense.
Genome position (GRCh38, 1-based): chr3:101,273,595, C>A on the plus strand (G>T on the coding strand, the complement: IMPG2 is on the minus strand). VCF-style: chr3-101273595-C-A. GRCh37 (hg19) VCF-style: chr3-100992439-C-A.
Other names: short protein forms E272*.
Identifiers: ClinVar variation 2695562 (VCV002695562.3), dbSNP rs2508996470, ClinGen allele CA353867715.

ClinVar aggregate classification (germline): Pathogenic (1 of 4 stars; one submission).

Submission:

Labcorp Genetics (formerly Invitae), Labcorp
Classification: Pathogenic. Last evaluated: 2023-11-13. Review status: criteria provided, single submitter. Criteria: Invitae Variant Classification Sherloc (09022015). Collection method: clinical testing. Allele origin: germline.
Comment: This sequence change creates a premature translational stop signal (p.Glu272*) in the IMPG2 gene. It is expected to result in an absent or disrupted protein product. Loss-of-function variants in IMPG2 are known to be pathogenic (PMID: 20673862). This variant is not present in population databases (gnomAD no frequency). This variant has not been reported in the literature in individuals affected with IMPG2-related conditions. For these reasons, this variant has been classified as Pathogenic.

Literature cited by the submitters: PubMed 20673862.